The following is an entry in ClinVar:

ClinVar aggregate classification (germline): Likely benign. Review status: criteria provided, multiple submitters, no conflicts (2 of 4 stars). 3 submissions from 3 submitters: Likely benign (3). Last evaluated 2025-07-08.

Conditions:
Hereditary cancer-predisposing syndrome. Also called: Hereditary neoplastic syndrome; Neoplastic Syndromes, Hereditary; Tumor predisposition; Hereditary Cancer Syndrome. Identifiers: Orphanet 140162, MedGen C0027672, MeSH D009386, MONDO:0015356.
Fanconi anemia (FA). Also called: Fanconi's anemia. Identifiers: Orphanet 84, MedGen C0015625, MeSH D005199, MONDO:0019391.

Allele frequency attached by ClinVar (database versions not stated): TOPMed 0.00003; gnomAD 0.00009 and 0.00005; ExAC 0.00021; 1000 Genomes Project 0.00060; gnomAD exomes 0.00023; 1000 Genomes Project 30x 0.00062.
gnomAD v4.1: 154 of 1,612,758 alleles (0.0095%); highest among the groups gnomAD compares: South Asian, 0.098%; no homozygotes.

Submissions (3):

Molecular Diagnostics Laboratory, Catalan Institute of Oncology
Classification: Likely benign for Hereditary cancer-predisposing syndrome. Last evaluated: 2025-07-08. Review status: criteria provided, single submitter. Criteria: ACMG Guidelines, 2015. Collection method: clinical testing. Allele origin: germline.
Comment: BP4, BP7 c.4296C>T, located in exon 44 of the FANCD2 gene, is predicted to result in no splicing alteration (according to SpliceAI) and no amino acid change, p.(Asp1432=)(BP4, BP7). This variant is found in 38 out of 30526 alleles, with a filter allele frequency of 0.08% at 99% confidence in the gnomAD v2.1.1 database (South Asian non-cancer data set). To our knowledge, functional studies have not been reported for this variant. It has been reported in the ClinVar database (1x likely benign) and in the LOVD database (1x likely benign). Based on currently available information, c.4296C>T is classified as a likely benign variant according to ACMG guidelines.

Blueprint Genetics
Classification: Likely benign. Last evaluated: 2023-10-20. Review status: criteria provided, single submitter. Criteria: ACMG Guidelines, 2015. Collection method: clinical testing. Allele origin: germline.

Sema4
Classification: Likely benign for Fanconi anemia. Last evaluated: 2022-02-02. Review status: criteria provided, single submitter. Criteria: Sema4 Curation Guidelines. Collection method: curation. Allele origin: germline.

NM_001018115.3(FANCD2):c.4296C>T (p.Asp1432=)

Genes: FANCD2 (FA complementation group D2; plus strand), FANCD2OS (FANCD2 opposite strand; minus strand). Cytogenetic location: 3p25.3.
Variant type: single nucleotide variant.
Coding change: c.4296C>T on transcript NM_001018115.3 (MANE Select); coding-DNA position 4296, C replaced by T.
Protein change: p.Asp1432=; no amino-acid change (aspartic acid 1432 retained).
Molecular consequence: synonymous variant. On other transcripts: intron variant (1).
Genome position (GRCh38, 1-based): chr3:10,101,202, C>T. VCF-style: chr3-10101202-C-T. GRCh37 (hg19) VCF-style: chr3-10142886-C-T.
Other names: c.4296C>T, p.Asp1432= (NM_001319984.2); c.4185C>T, p.Asp1395= (NM_001374253.1); c.*43+2996G>A (NM_173472.2).
Identifiers: ClinVar variation 1692537 (VCV001692537.3), dbSNP rs202028246, ClinGen allele CA2250713.
Genomic context (GRCh38, chr3:10,101,202, plus strand): 5'-AGAGCAGTAACCTAAAATGCTTATTTATTTATTCTTTGCCCCTTAGGATGGTGAAGAAGA[C>T]GAAGTAAGTGCTGGAGAAAAGGAGCAAGATAGTGATGAGAGTTATGATGACTCTGATTAG-3'
Protein context (NP_001018125.1, residues 1422-1442): KSKATEDGEE[Asp1432=]EVSAGEKEQD